The following is an entry in ClinVar:

ClinVar aggregate classification (germline): Pathogenic (1 of 4 stars; one submission).

Submission:

GeneDx
Classification: Pathogenic. Last evaluated: 2018-05-21. Review status: criteria provided, single submitter. Criteria: GeneDx Variant Classification (06012015). Collection method: clinical testing. Allele origin: germline. Affected: yes.
Comment: A pathogenic variant has been identified in the TSC2 gene. The c.1946+1 G>T splice site variant in the TSC2 gene destroys the canonical splice donor site in intron 18. It is predicted to cause abnormal gene splicing, either leading to an abnormal message that is subject to nonsense-mediated mRNA decay, or to an abnormal protein product if the message is used for protein translation. The c.1946+1 G>T variant is not observed in large population cohorts (Lek et al., 2016). Additionally, a different nucleotide change at the same canonical donor site has been identified in a patient with a clinical diagnosis of TSC in the published literature (TSC2 LOVD; Sancak et al., 2005).

NM_000548.5(TSC2):c.1946+1G>T

Gene: TSC2 (TSC complex subunit 2; plus strand). Cytogenetic location: 16p13.3.
Variant type: single nucleotide variant.
Coding change: c.1946+1G>T on transcript NM_000548.5 (MANE Select); the canonical splice donor site of the intron after coding-DNA position 1946, G replaced by T.
Molecular consequence: splice donor variant.
Genome position (GRCh38, 1-based): chr16:2,071,617, G>T. VCF-style: chr16-2071617-G-T. GRCh37 (hg19) VCF-style: chr16-2121618-G-T.
Other names: c.602+1G>T (NM_001406693.1, NM_001406689.1, NM_001406690.1 and 6 more transcripts); c.2036+1G>T (NM_001406667.1, NM_001406668.1); c.1346+1G>T (NM_001406680.1, NM_001406683.1, NM_001406687.1 and 6 more transcripts); c.344+1G>T (NM_001406698.1); c.1946+1G>T (NM_001114382.3, NM_001406663.1, NM_001406664.1 and 6 more transcripts); c.1934+1G>T (NM_001406671.1, NM_001406673.1); c.1484+1G>T (NM_001406681.1); c.1835+1G>T (NM_001406670.1, NM_001318827.2, NM_001406678.1); and 3 more.
Identifiers: ClinVar variation 546435 (VCV000546435.2), dbSNP rs397514994, ClinGen allele CA394273429.